The following is an entry in ClinVar:

NM_001687.5(ATP5F1D):c.428G>A (p.Gly143Glu)

Genes: ATP5F1D (ATP synthase F1 subunit delta; plus strand), LOC130062904 (ATAC-STARR-seq lymphoblastoid silent region 9674; plus strand). Cytogenetic location: 19p13.3.
Variant type: single nucleotide variant.
Coding change: c.428G>A on transcript NM_001687.5 (MANE Select); coding-DNA position 428, G replaced by A.
Protein change: p.Gly143Glu; replaces glycine 143 with glutamic acid.
Molecular consequence: missense variant.
Genome position (GRCh38, 1-based): chr19:1,244,358, G>A. VCF-style: chr19-1244358-G-A. GRCh37 (hg19) VCF-style: chr19-1244357-G-A.
Other names: c.428G>A, p.Gly143Glu (NM_001001975.2); short protein forms G143E.
Identifiers: ClinVar variation 4724166 (VCV004724166.1).

ClinVar aggregate classification (germline): Uncertain significance (1 of 4 stars; one submission).

Submission:

Labcorp Genetics (formerly Invitae), Labcorp
Classification: Uncertain significance. Last evaluated: 2025-10-03. Review status: criteria provided, single submitter. Criteria: Invitae Variant Classification Sherloc (09022015). Collection method: clinical testing. Allele origin: germline.
Comment: This sequence change replaces glycine, which is neutral and non-polar, with glutamic acid, which is acidic and polar, at codon 143 of the ATP5D protein (p.Gly143Glu). This variant is not present in population databases (gnomAD no frequency). This variant has not been reported in the literature in individuals affected with ATP5D-related conditions. An algorithm developed to predict the effect of missense changes on protein structure and function (PolyPhen-2) suggests that this variant is likely to be tolerated. In summary, the available evidence is currently insufficient to determine the role of this variant in disease. Therefore, it has been classified as a Variant of Uncertain Significance.